The following is an entry in ClinVar:

NM_017780.4(CHD7):c.1417G>A (p.Gly473Arg)

Gene: CHD7 (chromodomain helicase DNA binding protein 7; plus strand). Cytogenetic location: 8q12.2.
Variant type: single nucleotide variant.
Coding change: c.1417G>A on transcript NM_017780.4 (MANE Select); coding-DNA position 1417, G replaced by A.
Protein change: p.Gly473Arg; replaces glycine 473 with arginine.
Molecular consequence: missense variant.
Genome position (GRCh38, 1-based): chr8:60,742,849, G>A. VCF-style: chr8-60742849-G-A. GRCh37 (hg19) VCF-style: chr8-61655408-G-A.
Other names: p.Gly473Arg; c.1417G>A, p.Gly473Arg (NM_001316690.1); short protein forms G473R.
Identifiers: ClinVar variation 2683018 (VCV002683018.3), dbSNP rs747717847, ClinGen allele CA4759489.

ClinVar aggregate classification (germline): Conflicting classifications of pathogenicity. Review status: criteria provided, conflicting classifications (1 of 4 stars). 2 submissions from 2 submitters: Uncertain significance (1); Likely benign (1). Last evaluated 2025-10-01.

Conditions:
CHARGE syndrome (CHARGE). Also called: Hittner Hirsch Kreh syndrome; CHARGE ASSOCIATION--COLOBOMA, HEART ANOMALY, CHOANAL ATRESIA, RETARDATION, GENITAL AND EAR ANOMALIES; Coloboma, heart anomaly, choanal atresia, retardation, genital and ear anomalies; CHARGE association; Hall-Hittner syndrome. Identifiers: Orphanet 138, MedGen C0265354, MONDO:0008965.

Allele frequency attached by ClinVar (database versions not stated): ExAC 0.00001; gnomAD exomes 0.00001.
gnomAD v4.1: 4 of 1,612,828 alleles (0.00025%); highest among the groups gnomAD compares: Admixed American, 0.0017%; no homozygotes.

Submissions (2):

Labcorp Genetics (formerly Invitae), Labcorp
Classification: Likely benign for CHARGE syndrome. Last evaluated: 2025-10-01. Review status: criteria provided, single submitter. Criteria: Invitae Variant Classification Sherloc (09022015). Collection method: clinical testing. Allele origin: germline.

Mayo Clinic Laboratories, Mayo Clinic
Classification: Uncertain significance. Last evaluated: 2022-03-15. Review status: criteria provided, single submitter. Criteria: ACMG Guidelines, 2015. Collection method: clinical testing. Allele origin: germline. Observed: 1 variant allele.
Comment: BP4, PP2